The following is an entry in ClinVar:

ClinVar aggregate classification (germline): Likely benign. Review status: criteria provided, multiple submitters, no conflicts (2 of 4 stars). 4 submissions from 4 submitters: Likely benign (3). 1 of the submissions does not count toward it. Last evaluated 2026-01-06.

Conditions:
VWA3B-related disorder. Also called: VWA3B-related condition.

Allele frequency attached by ClinVar (database versions not stated): 1000 Genomes Project 0.00060; 1000 Genomes Project 30x 0.00062; ExAC 0.00144; gnomAD 0.00159; TOPMed 0.00185; ESP Exome Variant Server 0.00208.
gnomAD v4.1: 4,952 of 1,614,240 alleles (0.31%); highest among the groups gnomAD compares: Non-Finnish European, 0.39%; 13 homozygotes.

Submissions (4):

Women's Health and Genetics/Laboratory Corporation of America, LabCorp
Classification: Likely benign. Last evaluated: 2026-01-06. Review status: criteria provided, single submitter. Criteria: LabCorp Variant Classification Summary - May 2015. Collection method: clinical testing. Allele origin: germline.
Comment: Variant summary: VWA3B c.3309T>G (p.Ile1103Met) results in a conservative amino acid change in the encoded protein sequence. Algorithms developed to predict the effect of missense changes on protein structure and function all suggest that this variant is likely to be tolerated. The variant allele was found at a frequency of 0.0031 in 1607266 control chromosomes in the gnomAD database (v4.1 dataset), including 13 homozygotes. The observed variant frequency exceeds the estimated maximal expected allele frequency for disease-causing variants in VWA3B. To our knowledge, no occurrence of c.3309T>G in individuals affected with VWA3B-related conditions and no experimental evidence demonstrating its impact on protein function have been reported. ClinVar contains an entry for this variant (Variation ID: 773427). Based on the evidence outlined above, the variant was classified as likely benign.

CeGaT Center for Human Genetics Tuebingen
Classification: Likely benign. Last evaluated: 2026-01-01. Review status: criteria provided, single submitter. Criteria: CeGaT Center For Human Genetics Tuebingen Variant Classification Criteria Version 2. Collection method: clinical testing. Allele origin: germline. Affected: yes. Observed: 3 variant alleles.
Comment: VWA3B: BP4, BS2

Labcorp Genetics (formerly Invitae), Labcorp
Classification: Likely benign. Last evaluated: 2019-12-31. Review status: criteria provided, single submitter. Criteria: Invitae Variant Classification Sherloc (09022015). Collection method: clinical testing. Allele origin: germline.

PreventionGenetics, part of Exact Sciences
Classification: Likely benign for VWA3B-related condition. Last evaluated: 2022-03-01. Review status: no assertion criteria provided. Collection method: clinical testing. Allele origin: germline. Not counted in ClinVar's aggregate classification.
Comment: This variant is classified as likely benign based on ACMG/AMP sequence variant interpretation guidelines (Richards et al. 2015 PMID: 25741868, with internal and published modifications).

NM_144992.5(VWA3B):c.3309T>G (p.Ile1103Met)

Gene: VWA3B (von Willebrand factor A domain containing 3B; plus strand). Cytogenetic location: 2q11.2.
Variant type: single nucleotide variant.
Coding change: c.3309T>G on transcript NM_144992.5 (MANE Select); coding-DNA position 3309, T replaced by G.
Protein change: p.Ile1103Met; replaces isoleucine 1103 with methionine.
Molecular consequence: missense variant. On other transcripts: non-coding transcript variant (1).
Genome position (GRCh38, 1-based): chr2:98,300,105, T>G. VCF-style: chr2-98300105-T-G. GRCh37 (hg19) VCF-style: chr2-98916568-T-G.
Other names: c.2280T>G, p.Ile760Met (NM_001345864.2); short protein forms I1103M, I760M.
Identifiers: ClinVar variation 773427 (VCV000773427.30), dbSNP rs6731704, ClinGen allele CA1793280.